The following is an entry in ClinVar:

ClinVar aggregate classification (germline): Uncertain significance (1 of 4 stars; one submission).

Conditions:
Transcobalamin II deficiency (TCN2D). Also called: TC II DEFICIENCY; TCN2 DEFICIENCY; Transcolabamin II deficiency. Identifiers: Orphanet 859, MedGen C0342701, MONDO:0010149, OMIM 275350.

Submission:

Labcorp Genetics (formerly Invitae), Labcorp
Classification: Uncertain significance for Transcobalamin II deficiency. Last evaluated: 2025-01-20. Review status: criteria provided, single submitter. Criteria: Invitae Variant Classification Sherloc (09022015). Collection method: clinical testing. Allele origin: germline.
Comment: This sequence change replaces arginine, which is basic and polar, with serine, which is neutral and polar, at codon 259 of the TCN2 protein (p.Arg259Ser). This variant is present in population databases (no rsID available, gnomAD 0.01%). This variant has not been reported in the literature in individuals affected with TCN2-related conditions. ClinVar contains an entry for this variant (Variation ID: 2171036). An algorithm developed to predict the effect of missense changes on protein structure and function (PolyPhen-2) suggests that this variant¬†is likely to be tolerated. In summary, the available evidence is currently insufficient to determine the role of this variant in disease. Therefore, it has been classified as a Variant of Uncertain Significance.

NM_000355.4(TCN2):c.775_776delinsTC (p.Arg259Ser)

Gene: TCN2 (transcobalamin 2; plus strand). Cytogenetic location: 22q12.2.
Variant type: Indel.
Coding change: c.775_776delinsTC on transcript NM_000355.4 (MANE Select); coding-DNA positions 775 to 776, CG replaced by TC.
Protein change: p.Arg259Ser; replaces arginine 259 with serine.
Molecular consequence: missense variant.
Genome position (GRCh38, 1-based): chr22:30,615,622-30,615,623, CG replaced by TC. VCF-style: chr22-30615622-CG-TC. GRCh37 (hg19) VCF-style: chr22-31011609-CG-TC.
Other names: c.694_695delinsTC, p.Arg232Ser (NM_001184726.2); short protein forms R232S, R259S.
Identifiers: ClinVar variation 2171036 (VCV002171036.2), dbSNP rs2517909659, ClinGen allele CA2580099597.